The following is an entry in ClinVar:

ClinVar aggregate classification (germline): Likely benign. Review status: criteria provided, multiple submitters, no conflicts (2 of 4 stars). 2 submissions from 2 submitters: Likely benign (2). Last evaluated 2024-12-01.

Conditions:
Mucopolysaccharidosis type 1. Also called: Mucopolysaccharidosis Type I; IDUA deficiency; MPS I. Identifiers: Orphanet 579, MedGen C0023786, MONDO:0001586.

Allele frequency attached by ClinVar (database versions not stated): gnomAD exomes 0.00001; gnomAD 0.00003 and 0.00004; TOPMed 0.00003.
gnomAD v4.1: 19 of 1,361,000 alleles (0.0014%); highest among the groups gnomAD compares: Admixed American, 0.016%; no homozygotes.

Submissions (2):

CeGaT Center for Human Genetics Tuebingen
Classification: Likely benign. Last evaluated: 2024-12-01. Review status: criteria provided, single submitter. Criteria: CeGaT Center For Human Genetics Tuebingen Variant Classification Criteria Version 2. Collection method: clinical testing. Allele origin: germline. Affected: yes. Observed: 1 variant allele.
Comment: IDUA: BP4, BP7

Labcorp Genetics (formerly Invitae), Labcorp
Classification: Likely benign for Mucopolysaccharidosis type 1. Last evaluated: 2024-09-25. Review status: criteria provided, single submitter. Criteria: Invitae Variant Classification Sherloc (09022015). Collection method: clinical testing. Allele origin: germline.

NM_000203.5(IDUA):c.1395C>T (p.Pro465=)

Gene: IDUA (alpha-L-iduronidase; plus strand). Cytogenetic location: 4p16.3.
Variant type: single nucleotide variant.
Coding change: c.1395C>T on transcript NM_000203.5 (MANE Select); coding-DNA position 1395, C replaced by T.
Protein change: p.Pro465=; no amino-acid change (proline 465 retained).
Molecular consequence: synonymous variant. On other transcripts: non-coding transcript variant (1).
Genome position (GRCh38, 1-based): chr4:1,002,937, C>T. VCF-style: chr4-1002937-C-T. GRCh37 (hg19) VCF-style: chr4-996725-C-T.
Other names: c.999C>T, p.Pro333= (NM_001363576.1).
Identifiers: ClinVar variation 1157146 (VCV001157146.22), dbSNP rs1324471292, ClinGen allele CA438057843.